The following is an entry in ClinVar:

ClinVar aggregate classification (germline): Uncertain significance (1 of 4 stars; one submission).

gnomAD v4.1: 1 of 1,614,102 alleles (0.000062%); highest among the groups gnomAD compares: Non-Finnish European, 0.000085%; no homozygotes.

Submission:

Labcorp Genetics (formerly Invitae), Labcorp
Classification: Uncertain significance. Last evaluated: 2022-07-19. Review status: criteria provided, single submitter. Criteria: Invitae Variant Classification Sherloc (09022015). Collection method: clinical testing. Allele origin: germline.
Comment: This sequence change replaces arginine, which is basic and polar, with glycine, which is neutral and non-polar, at codon 1048 of the ABCC8 protein (p.Arg1048Gly). This variant is not present in population databases (gnomAD no frequency). This variant has not been reported in the literature in individuals affected with ABCC8-related conditions. Algorithms developed to predict the effect of missense changes on protein structure and function output the following: SIFT: "Tolerated"; PolyPhen-2: "Benign"; Align-GVGD: "Class C0". The glycine amino acid residue is found in multiple mammalian species, which suggests that this missense change does not adversely affect protein function. In summary, the available evidence is currently insufficient to determine the role of this variant in disease. Therefore, it has been classified as a Variant of Uncertain Significance.

NM_000352.6(ABCC8):c.3142A>G (p.Arg1048Gly)

Gene: ABCC8 (ATP binding cassette subfamily C member 8; minus strand). Cytogenetic location: 11p15.1.
Variant type: single nucleotide variant.
Coding change: c.3142A>G on transcript NM_000352.6 (MANE Select); coding-DNA position 3142, A replaced by G.
Protein change: p.Arg1048Gly; replaces arginine 1048 with glycine.
Molecular consequence: missense variant. On other transcripts: non-coding transcript variant (1).
Genome position (GRCh38, 1-based): chr11:17,406,908, T>C on the plus strand (A>G on the coding strand, the complement: ABCC8 is on the minus strand). VCF-style: chr11-17406908-T-C. GRCh37 (hg19) VCF-style: chr11-17428455-T-C.
Other names: c.3145A>G, p.Arg1049Gly (NM_001287174.3); c.3208A>G, p.Arg1070Gly (NM_001351295.2); c.3142A>G, p.Arg1048Gly (NM_001351296.2); c.3139A>G, p.Arg1047Gly (NM_001351297.2); short protein forms R1070G, R1049G, R1047G, R1048G.
Identifiers: ClinVar variation 1978682 (VCV001978682.1), dbSNP rs1387302006, ClinGen allele CA379803158.